The following is an entry in ClinVar:

ClinVar aggregate classification (germline): other (0 of 4 stars; one submission).

Conditions:
Familial colorectal cancer. Identifiers: MedGen CN280943, MONDO:0023113. Disease mechanism: loss of function.

Submission:

Systems Biology Platform Zhejiang California International NanoSystems Institute
Classification: other for Familial colorectal cancer. Review status: no assertion criteria provided. Collection method: not provided. Allele origin: unknown.
ClinVar note: Converted during submission from cancer to other.

NM_000038.6(APC):c.834+5758A>G

Gene: APC (APC regulator of WNT signaling pathway; plus strand). Cytogenetic location: 5q22.2.
Variant type: single nucleotide variant.
Coding change: c.834+5758A>G on transcript NM_000038.6 (MANE Select); 5758 bases into the intron after coding-DNA position 834, A replaced by G.
Molecular consequence: intron variant.
Genome position (GRCh38, 1-based): chr5:112,807,141, A>G. VCF-style: chr5-112807141-A-G. GRCh37 (hg19) VCF-style: chr5-112142838-A-G.
Other names: c.834+5758A>G (NM_001354895.2, NM_001127510.3, NM_001354896.2 and 1 more transcripts); c.864+5758A>G (NM_001354897.2, NM_001354902.2); c.780+5758A>G (NM_001127511.3); c.759+5758A>G (NM_001354898.2, NM_001354904.2); c.-201-2985A>G (NM_001354906.2); c.750+5758A>G (NM_001354899.2); c.657+5758A>G (NM_001354900.2, NM_001354901.2, NM_001354905.2).
Identifiers: ClinVar variation 83069 (VCV000083069.2), dbSNP rs76555077, ClinGen allele CA014951.
Genomic context (GRCh38, chr5:112,807,141, plus strand): 5'-TGAGATTGTACCACTGCACTCTAGCCTGGGTGACAGAGCAAGACTCTATCTCAAGGAAAA[A>G]AAAAAAAAAAACGTAAAACCAAAGTGCTGGAACTACAGGCGTGCACCACCATGCCCAGCC-3'